The following is an entry in ClinVar:

NM_003200.5(TCF3):c.1925C>G (p.Pro642Arg)

Gene: TCF3 (transcription factor 3; minus strand). Cytogenetic location: 19p13.3.
Variant type: single nucleotide variant.
Coding change: c.1925C>G on transcript NM_003200.5 (MANE Select); coding-DNA position 1925, C replaced by G.
Protein change: p.Pro642Arg; replaces proline 642 with arginine.
Molecular consequence: missense variant.
Genome position (GRCh38, 1-based): chr19:1,611,747, G>C on the plus strand (C>G on the coding strand, the complement: TCF3 is on the minus strand). VCF-style: chr19-1611747-G-C. GRCh37 (hg19) VCF-style: chr19-1611746-G-C.
Other names: c.1916C>G, p.Pro639Arg (NM_001136139.4, NM_001351779.2); c.1922C>G, p.Pro641Arg (NM_001351778.2); short protein forms P639R, P641R, P642R.
Identifiers: ClinVar variation 2982123 (VCV002982123.3), dbSNP rs773597214, ClinGen allele CA403048073.

ClinVar aggregate classification (germline): Uncertain significance (1 of 4 stars; one submission).

Submission:

Labcorp Genetics (formerly Invitae), Labcorp
Classification: Uncertain significance. Last evaluated: 2023-12-22. Review status: criteria provided, single submitter. Criteria: Invitae Variant Classification Sherloc (09022015). Collection method: clinical testing. Allele origin: germline.
Comment: This sequence change replaces proline, which is neutral and non-polar, with arginine, which is basic and polar, at codon 642 of the TCF3 protein (p.Pro642Arg). This variant is not present in population databases (gnomAD no frequency). This variant has not been reported in the literature in individuals affected with TCF3-related conditions. Advanced modeling of protein sequence and biophysical properties (such as structural, functional, and spatial information, amino acid conservation, physicochemical variation, residue mobility, and thermodynamic stability) performed at Invitae indicates that this missense variant is expected to disrupt TCF3 protein function with a positive predictive value of 80%. In summary, the available evidence is currently insufficient to determine the role of this variant in disease. Therefore, it has been classified as a Variant of Uncertain Significance.